The following is an entry in ClinVar:

ClinVar aggregate classification (germline): Uncertain significance (1 of 4 stars; one submission).

Conditions:
Duchenne muscular dystrophy (DMD). Also called: MUSCULAR DYSTROPHY, PSEUDOHYPERTROPHIC PROGRESSIVE, DUCHENNE TYPE; Duchenne Muscular Dystrophy (DMD). Identifiers: Orphanet 98896, MedGen C0013264, MONDO:0010679, OMIM 310200.

Submission:

Labcorp Genetics (formerly Invitae), Labcorp
Classification: Uncertain significance for Duchenne muscular dystrophy. Last evaluated: 2024-06-24. Review status: criteria provided, single submitter. Criteria: Invitae Variant Classification Sherloc (09022015). Collection method: clinical testing. Allele origin: germline.
Comment: This sequence change replaces alanine, which is neutral and non-polar, with valine, which is neutral and non-polar, at codon 1739 of the DMD protein (p.Ala1739Val). This variant is not present in population databases (gnomAD no frequency). This variant has not been reported in the literature in individuals affected with DMD-related conditions. Advanced modeling of protein sequence and biophysical properties (such as structural, functional, and spatial information, amino acid conservation, physicochemical variation, residue mobility, and thermodynamic stability) performed at Invitae indicates that this missense variant is not expected to disrupt DMD protein function with a negative predictive value of 95%. In summary, the available evidence is currently insufficient to determine the role of this variant in disease. Therefore, it has been classified as a Variant of Uncertain Significance.

NM_004006.3(DMD):c.5216C>T (p.Ala1739Val)

Gene: DMD (dystrophin; minus strand). Cytogenetic location: Xp21.1.
Variant type: single nucleotide variant.
Coding change: c.5216C>T on transcript NM_004006.3 (MANE Select); coding-DNA position 5216, C replaced by T.
Protein change: p.Ala1739Val; replaces alanine 1739 with valine.
Molecular consequence: missense variant.
Genome position (GRCh38, 1-based): chrX:32,362,897, G>A on the plus strand (C>T on the coding strand, the complement: DMD is on the minus strand). VCF-style: chrX-32362897-G-A. GRCh37 (hg19) VCF-style: chrX-32381014-G-A.
Other names: c.5192C>T, p.Ala1731Val (NM_000109.4); c.5204C>T, p.Ala1735Val (NM_004009.3); c.4847C>T, p.Ala1616Val (NM_004010.3); c.1193C>T, p.Ala398Val (NM_004011.4); c.1184C>T, p.Ala395Val (NM_004012.4); short protein forms A395V, A1735V, A1739V, A398V, A1616V, A1731V.
Identifiers: ClinVar variation 2793497 (VCV002793497.3), dbSNP rs200740165, ClinGen allele CA412671266.
Genomic context (GRCh38, chrX:32,362,897, plus strand): 5'-TCTGAGATTTGGGGCTCTACTAATTTCCTGCAGTGGTCACCGCGGTTTGCCATCAAGTTT[G>A]CTGCTTGGTCACGTGTAGAGTCCACCTTTGGGCGTATGTCATTCAGTTCTGCCTTTAAAC-3'
Protein context (NP_003997.2, residues 1729-1749): PKVDSTRDQA[Ala1739Val]NLMANRGDHC